The following is an entry in ClinVar:

NM_032043.3(BRIP1):c.3353A>G (p.Asn1118Ser)

Gene: BRIP1 (BRCA1 interacting DNA helicase 1; minus strand). Cytogenetic location: 17q23.2.
Variant type: single nucleotide variant.
Coding change: c.3353A>G on transcript NM_032043.3 (MANE Select); coding-DNA position 3353, A replaced by G.
Protein change: p.Asn1118Ser; replaces asparagine 1118 with serine.
Molecular consequence: missense variant.
Genome position (GRCh38, 1-based): chr17:61,683,693, T>C on the plus strand (A>G on the coding strand, the complement: BRIP1 is on the minus strand). VCF-style: chr17-61683693-T-C. GRCh37 (hg19) VCF-style: chr17-59761054-T-C.
Other names: short protein forms N1118S.
Identifiers: ClinVar variation 407862 (VCV000407862.9), dbSNP rs1060501773, ClinGen allele CA16615470.
Genomic context (GRCh38, chr17:61,683,693, plus strand): 5'-TCATAAAGTTCAGGTGTAAAATAGATAGATTCATCTTCTGCTTCTGTTTCAAAATCTCTA[T>C]TTGAAGTGGACTGTTTATCTTCTTCACTTACTAGAGACAATTCAATGTCTGGATCCAGGG-3'
Protein context (NP_114432.2, residues 1108-1128): VSEEDKQSTS[Asn1118Ser]RDFETEAEDE

ClinVar aggregate classification (germline): Uncertain significance. Review status: criteria provided, multiple submitters, no conflicts (2 of 4 stars). 3 submissions from 3 submitters: Uncertain significance (3). Last evaluated 2026-07-07.

Conditions:
Familial cancer of breast. Also called: BREAST CANCER, FAMILIAL; hereditary breast carcinoma; Hereditary breast cancer. Identifiers: Orphanet 227535, MedGen C0346153, MONDO:0016419, OMIM 114480. Disease mechanism: loss of function.
Hereditary cancer-predisposing syndrome. Also called: Neoplastic Syndromes, Hereditary; Hereditary Cancer Syndrome; Tumor predisposition; Hereditary neoplastic syndrome. Identifiers: Orphanet 140162, MedGen C0027672, MeSH D009386, MONDO:0015356.
Fanconi anemia complementation group J. Also called: BRIP1-Related Fanconi Anemia. Identifiers: Orphanet 84, MedGen C1836860, MONDO:0012187, OMIM 609054.

Allele frequency attached by ClinVar (database versions not stated): gnomAD exomes below 0.00001.
gnomAD v4.1: 2 of 1,613,990 alleles (0.00012%); highest among the groups gnomAD compares: South Asian, 0.0011%; no homozygotes.

Submissions (3):

Ambry Genetics
Classification: Uncertain significance for Hereditary cancer-predisposing syndrome. Last evaluated: 2026-07-07. Review status: criteria provided, single submitter. Criteria: Ambry Variant Classification Scheme 2023. Collection method: clinical testing. Allele origin: germline.
Comment: The p.N1118S variant (also known as c.3353A>G), located in coding exon 19 of the BRIP1 gene, results from an A to G substitution at nucleotide position 3353. The asparagine at codon 1118 is replaced by serine, an amino acid with highly similar properties. This amino acid position is conserved. In addition, this alteration is predicted to be tolerated by in silico analysis. Based on the available evidence, the clinical significance of this variant remains unclear.

Labcorp Genetics (formerly Invitae), Labcorp
Classification: Uncertain significance for Familial cancer of breast; Fanconi anemia complementation group J. Last evaluated: 2025-05-19. Review status: criteria provided, single submitter. Criteria: Invitae Variant Classification Sherloc (09022015). Collection method: clinical testing. Allele origin: germline.
Comment: This sequence change replaces asparagine, which is neutral and polar, with serine, which is neutral and polar, at codon 1118 of the BRIP1 protein (p.Asn1118Ser). This variant is not present in population databases (gnomAD no frequency). This variant has not been reported in the literature in individuals affected with BRIP1-related conditions. ClinVar contains an entry for this variant (Variation ID: 407862). Invitae Evidence Modeling of protein sequence and biophysical properties (such as structural, functional, and spatial information, amino acid conservation, physicochemical variation, residue mobility, and thermodynamic stability) indicates that this missense variant is not expected to disrupt BRIP1 protein function with a negative predictive value of 95%. In summary, the available evidence is currently insufficient to determine the role of this variant in disease. Therefore, it has been classified as a Variant of Uncertain Significance.

St. Jude Molecular Pathology, St. Jude Children's Research Hospital
Classification: Uncertain significance for Familial cancer of breast. Last evaluated: 2023-01-09. Review status: criteria provided, single submitter. Criteria: St. Jude Assertion Criteria 2020. Collection method: clinical testing. Allele origin: germline.
Comment: The BRIP1 c.3353A>G (p.Asn1118Ser) missense change is absent in gnomAD v2.1.1. The in silico tool REVEL predicts a benign effect on protein function, but to our knowledge this prediction has not been confirmed by functional studies. To our knowledge, this variant has not been reported in individuals with hereditary breast and ovarian cancer syndrome or Fanconi anemia. In summary, the evidence currently available is insufficient to determine the clinical significance of this variant. It has therefore been classified as of uncertain significance.